The following is an entry in ClinVar:

ClinVar aggregate classification (germline): Uncertain significance (1 of 4 stars; one submission).

Conditions:
Ullrich congenital muscular dystrophy 2 (UCMD2). Identifiers: Orphanet 75840, MedGen C4225314, MONDO:0014654, OMIM 616470.
Bethlem myopathy 2 (BTHLM2). Identifiers: Orphanet 536516, Orphanet 610, MedGen C4225313, MONDO:0034022, OMIM 616471.

Allele frequency attached by ClinVar (database versions not stated): gnomAD exomes below 0.00001; TOPMed below 0.00001.

Submission:

Labcorp Genetics (formerly Invitae), Labcorp
Classification: Uncertain significance for Bethlem myopathy 2; Ullrich congenital muscular dystrophy 2. Last evaluated: 2018-02-07. Review status: criteria provided, single submitter. Criteria: Invitae Variant Classification Sherloc (09022015). Collection method: clinical testing. Allele origin: germline.
Comment: This sequence change replaces methionine with threonine at codon 1698 of the COL12A1 protein (p.Met1698Thr). The methionine residue is moderately conserved and there is a moderate physicochemical difference between methionine and threonine. This variant is not present in population databases (ExAC no frequency). This variant has not been reported in the literature in individuals with COL12A1-related disease. Algorithms developed to predict the effect of missense changes on protein structure and function (SIFT, PolyPhen-2, Align-GVGD) all suggest that this variant is likely to be tolerated, but these predictions have not been confirmed by published functional studies and their clinical significance is uncertain. In summary, the available evidence is currently insufficient to determine the role of this variant in disease. Therefore, it has been classified as a Variant of Uncertain Significance.

NM_004370.6(COL12A1):c.5093T>C (p.Met1698Thr)

Gene: COL12A1 (collagen type XII alpha 1 chain; minus strand). Cytogenetic location: 6q13.
Variant type: single nucleotide variant.
Coding change: c.5093T>C on transcript NM_004370.6 (MANE Select); coding-DNA position 5093, T replaced by C.
Protein change: p.Met1698Thr; replaces methionine 1698 with threonine.
Molecular consequence: missense variant.
Genome position (GRCh38, 1-based): chr6:75,138,826, A>G on the plus strand (T>C on the coding strand, the complement: COL12A1 is on the minus strand). VCF-style: chr6-75138826-A-G. GRCh37 (hg19) VCF-style: chr6-75848542-A-G.
Other names: c.1601T>C, p.Met534Thr (NM_080645.3); short protein forms M1698T, M534T.
Identifiers: ClinVar variation 571518 (VCV000571518.9), dbSNP rs749443694, ClinGen allele CA364739445.
Genomic context (GRCh38, chr6:75,138,826, plus strand): 5'-CCTACAAATTAAATGGGACATGAAAGACAGAGAGAAAGATAAAGAGAGTTAACTACCTCC[A>G]TCTTATCTGAGCTTCCAAAAGGTGCCCAAGTTATTCTGTAGAGAGACACATCTGAAGCTC-3'
Protein context (NP_004361.3, residues 1688-1708): TWAPFGSSDK[Met1698Thr]ETILNGDENT